The following is an entry in ClinVar:

ClinVar aggregate classification (germline): Uncertain significance. Review status: criteria provided, multiple submitters, no conflicts (2 of 4 stars). 2 submissions from 2 submitters: Uncertain significance (2). Last evaluated 2023-03-31.

Conditions:
Hereditary cancer-predisposing syndrome. Also called: Neoplastic Syndromes, Hereditary; Tumor predisposition; Hereditary Cancer Syndrome; Hereditary neoplastic syndrome. Identifiers: Orphanet 140162, MedGen C0027672, MeSH D009386, MONDO:0015356.
Hereditary breast ovarian cancer syndrome. Also called: Hereditary breast and ovarian cancer syndrome (HBOC); Hereditary breast and/or ovarian cancer syndrome; Hereditary breast and ovarian cancer; Hereditary breast and ovarian cancer syndrome; BRCA1- and BRCA2-Associated Hereditary Breast and Ovarian Cancer; Breast and ovarian cancer. Identifiers: Orphanet 145, MedGen C0677776, MeSH D061325, MONDO:0003582. Disease mechanism: loss of function.

Submissions (2):

Labcorp Genetics (formerly Invitae), Labcorp
Classification: Uncertain significance for Hereditary breast ovarian cancer syndrome. Last evaluated: 2023-03-31. Review status: criteria provided, single submitter. Criteria: Invitae Variant Classification Sherloc (09022015). Collection method: clinical testing. Allele origin: germline.
Comment: In summary, the available evidence is currently insufficient to determine the role of this variant in disease. Therefore, it has been classified as a Variant of Uncertain Significance. Variants that disrupt the consensus splice site are a relatively common cause of aberrant splicing (PMID: 17576681, 9536098). Algorithms developed to predict the effect of sequence changes on RNA splicing suggest that this variant is not likely to affect RNA splicing. This variant has not been reported in the literature in individuals affected with BRCA2-related conditions. This variant is not present in population databases (gnomAD no frequency). This sequence change falls in intron 15 of the BRCA2 gene. It does not directly change the encoded amino acid sequence of the BRCA2 protein. It affects a nucleotide within the consensus splice site.

Color Diagnostics, LLC DBA Color Health
Classification: Uncertain significance for Hereditary cancer-predisposing syndrome. Last evaluated: 2022-09-27. Review status: criteria provided, single submitter. Criteria: ACMG Guidelines, 2015. Collection method: clinical testing. Allele origin: germline.
Comment: This variant causes a G to A nucleotide substitution at the +5 position of intron 15 of the BRCA2 gene. Splice site prediction tools are inconclusive regarding the impact of this variant on RNA splicing. To our knowledge, functional studies have not been reported for this variant. This variant has not been reported in individuals affected with hereditary cancer in the literature. This variant has not been identified in the general population by the Genome Aggregation Database (gnomAD). The available evidence is insufficient to determine the role of this variant in disease conclusively. Therefore, this variant is classified as a Variant of Uncertain Significance.

Literature cited by the submitters: PubMed 17576681 (cited by Labcorp Genetics (formerly Invitae), Labcorp); PubMed 9536098 (cited by Labcorp Genetics (formerly Invitae), Labcorp).

NM_000059.4(BRCA2):c.7617+5G>A

Gene: BRCA2 (BRCA2 DNA repair associated; plus strand). Cytogenetic location: 13q13.1.
Variant type: single nucleotide variant.
Coding change: c.7617+5G>A on transcript NM_000059.4 (MANE Select); 5 bases into the intron after coding-DNA position 7617, G replaced by A.
Molecular consequence: intron variant.
Genome position (GRCh38, 1-based): chr13:32,356,614, G>A. VCF-style: chr13-32356614-G-A. GRCh37 (hg19) VCF-style: chr13-32930751-G-A.
Other names: c.7617+5G>A (NM_001406720.1); c.7521+5G>A (NM_001406719.1); c.2685+5G>A (NM_001406721.1); c.1200+5G>A (NM_001406722.1).
Identifiers: ClinVar variation 2774945 (VCV002774945.5), dbSNP rs2137563739, ClinGen allele CA2697551782.